The following is an entry in ClinVar:

ClinVar aggregate classification (germline): Uncertain significance (1 of 4 stars; one submission).

Conditions:
Dystonia 12 (DYT12). Also called: Rapid-Onset Dystonia-Parkinsonism (RDP); DYT-ATP1A3. Identifiers: Orphanet 71517, MedGen C1868681, MONDO:0007496, OMIM 128235.

Submission:

Labcorp Genetics (formerly Invitae), Labcorp
Classification: Uncertain significance for Dystonia 12. Last evaluated: 2022-06-14. Review status: criteria provided, single submitter. Criteria: Invitae Variant Classification Sherloc (09022015). Collection method: clinical testing. Allele origin: germline.
Comment: This sequence change replaces alanine, which is neutral and non-polar, with valine, which is neutral and non-polar, at codon 618 of the ATP1A3 protein (p.Ala618Val). This variant is not present in population databases (gnomAD no frequency). This variant has not been reported in the literature in individuals affected with ATP1A3-related conditions. Advanced modeling of protein sequence and biophysical properties (such as structural, functional, and spatial information, amino acid conservation, physicochemical variation, residue mobility, and thermodynamic stability) performed at Invitae indicates that this missense variant is expected to disrupt ATP1A3 protein function. In summary, the available evidence is currently insufficient to determine the role of this variant in disease. Therefore, it has been classified as a Variant of Uncertain Significance.

NM_152296.5(ATP1A3):c.1853C>T (p.Ala618Val)

Gene: ATP1A3 (ATPase Na+/K+ transporting subunit alpha 3; minus strand). Cytogenetic location: 19q13.2.
Variant type: single nucleotide variant.
Coding change: c.1853C>T on transcript NM_152296.5 (MANE Select); coding-DNA position 1853, C replaced by T.
Protein change: p.Ala618Val; replaces alanine 618 with valine.
Molecular consequence: missense variant.
Genome position (GRCh38, 1-based): chr19:41,978,026, G>A on the plus strand (C>T on the coding strand, the complement: ATP1A3 is on the minus strand). VCF-style: chr19-41978026-G-A. GRCh37 (hg19) VCF-style: chr19-42482178-G-A.
Other names: c.1886C>T, p.Ala629Val (NM_001256213.2); c.1892C>T, p.Ala631Val (NM_001256214.2); short protein forms A618V, A629V, A631V.
Identifiers: ClinVar variation 2006071 (VCV002006071.4), dbSNP rs2514054115, ClinGen allele CA406045115.